The following is an entry in ClinVar:

NM_001943.5(DSG2):c.-11_11dup (p.Ser4fs)

Genes: DSG2 (desmoglein 2; plus strand), LOC130062340 (ATAC-STARR-seq lymphoblastoid silent region 9384; plus strand). Cytogenetic location: 18q12.1.
Variant type: Duplication.
Coding change: c.-11_11dup on transcript NM_001943.5 (MANE Select); 11 bases upstream of the start codon through coding-DNA position 11, 22 bases duplicated (GCGAGGGTGCGATGGCGCGGAG).
Protein change: p.Ser4fs; shifts the reading frame from serine 4.
Molecular consequence: frameshift variant, initiator codon variant.
Genome position (GRCh38, 1-based): chr18:31,498,241-31,498,262, GCGAGGGTGCGATGGCGCGGAG duplicated; duplicating any 22 consecutive bases within chr18:31,498,235-31,498,262 gives the same sequence; the c. name uses the placement nearest the transcript's 3' end. VCF-style (leftmost placement, unchanged base first): chr18-31498234-G-GGCGGAGGCGAGGGTGCGATGGC. GRCh37 (hg19) VCF-style: chr18-29078197-G-GGCGGAGGCGAGGGTGCGATGGC.
Other names: c.-11_11dupGCGAGGGTGCGATGGCGCGGAG (NM_001943.3); short protein forms S4fs.
Identifiers: ClinVar variation 2563307 (VCV002563307.4), dbSNP rs1356658330, ClinGen allele CA629147178.

ClinVar aggregate classification (germline): Uncertain significance. Review status: criteria provided, multiple submitters, no conflicts (2 of 4 stars). 2 submissions from 2 submitters: Uncertain significance (2). Last evaluated 2025-04-05.

Conditions:
Arrhythmogenic right ventricular dysplasia 10. Also called: ARRHYTHMOGENIC RIGHT VENTRICULAR DYSPLASIA, FAMILIAL, 10; Arrhythmogenic Right Ventricular Dysplasia/Cardiomyopathy10; Arrhythmogenic right ventricular dysplasia/cardiomyopathy, type 10. Identifiers: MedGen C1857777, MONDO:0012434, OMIM 610193.
Cardiovascular phenotype. Identifiers: MedGen CN230736.

Submissions (2):

Labcorp Genetics (formerly Invitae), Labcorp
Classification: Uncertain significance for Arrhythmogenic right ventricular dysplasia 10. Last evaluated: 2025-04-05. Review status: criteria provided, single submitter. Criteria: Invitae Variant Classification Sherloc (09022015). Collection method: clinical testing. Allele origin: germline.
Comment: This variant occurs in a non-coding region of the DSG2 gene. It does not change the encoded amino acid sequence of the DSG2 protein. This variant is present in population databases (no rsID available, gnomAD 0.01%). This variant has not been reported in the literature in individuals affected with DSG2-related conditions. This variant is also known as p.Ser4Argfs*23. ClinVar contains an entry for this variant (Variation ID: 2563307). In summary, the available evidence is currently insufficient to determine the role of this variant in disease. Therefore, it has been classified as a Variant of Uncertain Significance.

Ambry Genetics
Classification: Uncertain significance for Cardiovascular phenotype. Last evaluated: 2023-05-01. Review status: criteria provided, single submitter. Criteria: Ambry Variant Classification Scheme 2023. Collection method: clinical testing. Allele origin: germline.
Comment: The c.-11_11dup22 variant results from a duplication of 22 nucleotides at nucleotide positions c.-11 to c.11. This results in the duplication of 11 nucleotides in the 5' untranslated region (UTR) and the first 11 nucleotides, including the methionine residue at the initiation codon (ATG), of coding exon 1 of the DSG2 gene. This nucleotide region is not well conserved in available vertebrate species. Variations that modify the initiation codon (ATG) are expected to result in either loss of translation initiation, N-terminal truncation, or cause a shift in the mRNA reading frame. However, it is unknown whether the duplicated material impacts protein sequence or otherwise affects transcriptional/translational regulatory elements. Since supporting evidence is limited at this time, the clinical significance of this alteration remains unclear.